The following is an entry in ClinVar:

NM_007294.4(BRCA1):c.717_720del (p.Gln240fs)

Gene: BRCA1 (BRCA1 DNA repair associated; minus strand). Cytogenetic location: 17q21.31.
Variant type: Deletion.
Coding change: c.717_720del on transcript NM_007294.4 (MANE Select); coding-DNA positions 717 to 720, 4 bases deleted (TCAA; older notation c.717_720delTCAA).
Protein change: p.Gln240fs; shifts the reading frame from glutamine 240.
Molecular consequence: frameshift variant. On other transcripts: non-coding transcript variant (1).
Genome position (GRCh38, 1-based): chr17:43,094,811-43,094,814, TTGA deleted on the plus strand (TCAA on the coding strand, the reverse complement: BRCA1 is on the minus strand); deleting any 4 consecutive bases within chr17:43,094,811-43,094,815 gives the same sequence; the c. name uses the placement nearest the transcript's 3' end. VCF-style (leftmost placement, unchanged base first): chr17-43094810-GTTGA-G. GRCh37 (hg19) VCF-style: chr17-41246827-GTTGA-G.
Other names: c.716_719delATCA, p.Gln240Profs (NM_001407975.1, NM_001407976.1, NM_001407977.1 and 52 more transcripts); c.713_716delATCA, p.Gln239Profs (NM_001407984.1, NM_001407985.1, NM_001407986.1 and 38 more transcripts); c.575_578delATCA, p.Gln193Profs (NM_001408410.1, NM_001407692.1, NM_001407694.1 and 42 more transcripts); c.638_641delATCA, p.Gln214Profs (NM_001408411.1, NM_001408412.1, NM_001408409.1 and 9 more transcripts); c.635_638delATCA, p.Gln213Profs (NM_001408413.1, NM_001407659.1, NM_001407660.1 and 3 more transcripts); c.707_710delATCA, p.Gln237Profs (NM_001408408.1, NM_001407646.1, NM_001407647.1); c.503_506delATCA, p.Gln169Profs (NM_001407571.1, NM_001407853.1, NM_001407894.1 and 12 more transcripts); c.593_596delATCA, p.Gln199Profs (NM_001407648.1, NM_001407664.1, NM_001407665.1 and 34 more transcripts); and 16 more; short protein forms Q193fs, Q240fs.
Identifiers: ClinVar variation 2098771 (VCV002098771.4), dbSNP rs2552230463, ClinGen allele CA2580094067.
Genomic context (GRCh38, chr17:43,094,810, plus strand): 5'-ACTTTTCTGGATGCCTCTCAGCTGCACGCTTCTCAGTGGTGTTCAAATCATTATTACTGG[GTTGA>G]TGATGTTCAGTATTTGTTACATCCGTCTCAGAAAATTCACAAGCAGCTGAAAATATACAA-3'

ClinVar aggregate classification (germline): Pathogenic (1 of 4 stars; one submission).

Conditions:
Hereditary breast ovarian cancer syndrome. Also called: Hereditary breast and/or ovarian cancer syndrome; Hereditary breast and ovarian cancer syndrome; Hereditary breast and ovarian cancer; Hereditary breast and ovarian cancer syndrome (HBOC); Breast and ovarian cancer; BRCA1- and BRCA2-Associated Hereditary Breast and Ovarian Cancer. Identifiers: Orphanet 145, MedGen C0677776, MeSH D061325, MONDO:0003582. Disease mechanism: loss of function.

Submission:

Labcorp Genetics (formerly Invitae), Labcorp
Classification: Pathogenic for Hereditary breast ovarian cancer syndrome. Last evaluated: 2022-02-18. Review status: criteria provided, single submitter. Criteria: Invitae Variant Classification Sherloc (09022015). Collection method: clinical testing. Allele origin: germline.
Comment: For these reasons, this variant has been classified as Pathogenic. This variant has not been reported in the literature in individuals affected with BRCA1-related conditions. This variant is not present in population databases (gnomAD no frequency). This sequence change creates a premature translational stop signal (p.Gln240Profs*6) in the BRCA1 gene. It is expected to result in an absent or disrupted protein product. Loss-of-function variants in BRCA1 are known to be pathogenic (PMID: 20104584).

Literature cited by the submitters: PubMed 20104584.